The following is an entry in ClinVar:

NM_000168.6(GLI3):c.1365C>T (p.Pro455=)

Gene: GLI3 (GLI family zinc finger 3; minus strand). Cytogenetic location: 7p14.1.
Variant type: single nucleotide variant.
Coding change: c.1365C>T on transcript NM_000168.6 (MANE Select); coding-DNA position 1365, C replaced by T.
Protein change: p.Pro455=; no amino-acid change (proline 455 retained).
Molecular consequence: synonymous variant.
Genome position (GRCh38, 1-based): chr7:42,023,600, G>A on the plus strand (C>T on the coding strand, the complement: GLI3 is on the minus strand). VCF-style: chr7-42023600-G-A. GRCh37 (hg19) VCF-style: chr7-42063199-G-A.
Identifiers: ClinVar variation 704397 (VCV000704397.15), dbSNP rs544431683, ClinGen allele CA4230851.
Genomic context (GRCh38, chr7:42,023,600, plus strand): 5'-TTCAGGCTCCTGTTTGCTTTCATCTTTGTCCCCTTCCTCCTTGACAAGGGTTGTTCCTTC[G>A]GGCTGTTCCTGAAAGAAGAGGGTGGGGGGCAGGGAACAGAGAAGGGGGAAGAATCAGACA-3'
Protein context (NP_000159.3, residues 445-465): SPGARGQQEQ[Pro455=]EGTTLVKEEG

ClinVar aggregate classification (germline): Benign/Likely benign. Review status: criteria provided, multiple submitters, no conflicts (2 of 4 stars). 4 submissions from 4 submitters: Benign (1); Likely benign (2). 1 of the submissions does not count toward it. Last evaluated 2025-08-13.

Conditions:
GLI3-related disorder. Also called: GLI3-related condition; GLI3-related disorders. Identifiers: MedGen CN239292.
Pallister-Hall syndrome (PHS). Also called: GLI3-Related Pallister-Hall Syndrome; HYPOTHALAMIC HAMARTOBLASTOMA, HYPOPITUITARISM, IMPERFORATE ANUS, AND POSTAXIAL POLYDACTYLY. Identifiers: Orphanet 672, MedGen C0265220, MONDO:0007804, OMIM 146510.
Polysyndactyly 4. Also called: Polysyndactyly uncomplicated; Preaxial polydactyly 4. Identifiers: Orphanet 93338, MedGen C1868111, MONDO:0008272, OMIM 174700.
Polydactyly, postaxial, type A1. Identifiers: MedGen C4282400, MONDO:0008266, OMIM 174200.
Greig cephalopolysyndactyly syndrome (GCPS). Also called: POLYSYNDACTYLY WITH PECULIAR SKULL SHAPE; Greig syndrome; GLI3-Related Greig Cephalopolysyndactyly Syndrome. Identifiers: Orphanet 380, MedGen C0265306, MONDO:0008287, OMIM 175700.

Allele frequency attached by ClinVar (database versions not stated): gnomAD 0.00005 and 0.00007; TOPMed 0.00010; ExAC 0.00012; 1000 Genomes Project 30x 0.00016; 1000 Genomes Project 0.00020.
gnomAD v4.1: 48 of 1,612,976 alleles (0.003%); highest among the groups gnomAD compares: East Asian, 0.062%; no homozygotes.

Submissions (4):

Labcorp Genetics (formerly Invitae), Labcorp
Classification: Benign for Pallister-Hall syndrome; Greig cephalopolysyndactyly syndrome. Last evaluated: 2025-08-13. Review status: criteria provided, single submitter. Criteria: Invitae Variant Classification Sherloc (09022015). Collection method: clinical testing. Allele origin: germline.

Blueprint Genetics
Classification: Likely benign. Last evaluated: 2024-06-18. Review status: criteria provided, single submitter. Criteria: ACMG Guidelines, 2015. Collection method: clinical testing. Allele origin: germline.

Fulgent Genetics
Classification: Likely benign for Pallister-Hall syndrome; Polydactyly, postaxial, type A1; Polysyndactyly 4; Greig cephalopolysyndactyly syndrome. Last evaluated: 2022-04-13. Review status: criteria provided, single submitter. Criteria: ACMG Guidelines, 2015. Collection method: clinical testing. Allele origin: unknown.

PreventionGenetics, part of Exact Sciences
Classification: Likely benign for GLI3-related condition. Last evaluated: 2020-11-11. Review status: no assertion criteria provided. Collection method: clinical testing. Allele origin: germline. Not counted in ClinVar's aggregate classification.
Comment: This variant is classified as likely benign based on ACMG/AMP sequence variant interpretation guidelines (Richards et al. 2015 PMID: 25741868, with internal and published modifications).